The following is an entry in ClinVar:

ClinVar aggregate classification (germline): Uncertain significance. Review status: criteria provided, single submitter (1 of 4 stars). 2 submissions from 2 submitters: Uncertain significance (1). 1 of the submissions does not count toward it. Last evaluated 2025-08-24.

Conditions:
GCC2-related disorder. Also called: GCC2-related condition.

Allele frequency attached by ClinVar (database versions not stated): ESP Exome Variant Server 0.00015; gnomAD 0.00029; gnomAD exomes 0.00031; 1000 Genomes Project 0.00040; TOPMed 0.00045; 1000 Genomes Project 30x 0.00047; ExAC 0.00055.
gnomAD v4.1: 523 of 1,613,836 alleles (0.032%); highest among the groups gnomAD compares: East Asian, 0.17%; 1 homozygote.

Submissions (2):

Ambry Genetics
Classification: Uncertain significance. Last evaluated: 2025-08-24. Review status: criteria provided, single submitter. Criteria: Ambry Variant Classification Scheme 2023. Collection method: clinical testing. Allele origin: germline.

PreventionGenetics, part of Exact Sciences
Classification: Likely benign for GCC2-related condition. Last evaluated: 2022-02-16. Review status: no assertion criteria provided. Collection method: clinical testing. Allele origin: germline. Not counted in ClinVar's aggregate classification.
Comment: This variant is classified as likely benign based on ACMG/AMP sequence variant interpretation guidelines (Richards et al. 2015 PMID: 25741868, with internal and published modifications).

NM_181453.4(GCC2):c.1522A>G (p.Met508Val)

Gene: GCC2 (GRIP and coiled-coil domain containing 2; plus strand). Cytogenetic location: 2q12.3.
Variant type: single nucleotide variant.
Coding change: c.1522A>G on transcript NM_181453.4 (MANE Select); coding-DNA position 1522, A replaced by G.
Protein change: p.Met508Val; replaces methionine 508 with valine.
Molecular consequence: missense variant.
Genome position (GRCh38, 1-based): chr2:108,470,851, A>G. VCF-style: chr2-108470851-A-G. GRCh37 (hg19) VCF-style: chr2-109087307-A-G.
Other names: c.1219A>G, p.Met407Val (NM_001410194.1, NM_014635.3); short protein forms M407V, M508V.
Identifiers: ClinVar variation 3055158 (VCV003055158.3), dbSNP rs200270126, ClinGen allele CA1820546.